The following is an entry in ClinVar:

ClinVar aggregate classification (germline): Conflicting classifications of pathogenicity. Review status: criteria provided, conflicting classifications (1 of 4 stars). 5 submissions from 5 submitters: Uncertain significance (3); Likely benign (1). 1 of the submissions does not count toward it. Last evaluated 2026-03-25.

Conditions:
Cardiovascular phenotype. Identifiers: MedGen CN230736.
Alstrom syndrome (ALMS). Identifiers: Orphanet 64, MedGen C0268425, MONDO:0008763, OMIM 203800.

Allele frequency attached by ClinVar (database versions not stated): gnomAD 0.00002; TOPMed 0.00006.
gnomAD v4.1: 8 of 1,614,028 alleles (0.0005%); highest among the groups gnomAD compares: African/African-American, 0.0053%; no homozygotes.

Submissions (5):

GeneDx
Classification: Uncertain significance. Last evaluated: 2026-03-25. Review status: criteria provided, single submitter. Criteria: GeneDx Variant Classification Process June 2021. Collection method: clinical testing. Allele origin: germline.
Comment: Not observed at significant frequency in large population cohorts (gnomAD); In silico analysis suggests that this missense variant does not alter protein structure/function; Has not been previously published as pathogenic or benign to our knowledge

Clinical Genomics Laboratory, Washington University in St. Louis
Classification: Uncertain significance for Alstrom syndrome. Last evaluated: 2025-04-10. Review status: criteria provided, single submitter. Criteria: ACMG Guidelines, 2015. Collection method: clinical testing. Allele origin: germline.
Comment: The ALMS1 c.11441A>C (p.Asn3814Thr) variant, to our knowledge, has not been reported in the medical literature. This variant is only observed on 3/280,478 alleles in the general population (gnomAD v2.1.1), indicating it is not a common variant. This variant has been reported in the ClinVar database as a germline variant of uncertain significance by three submitters (Variation ID: 554986). Due to limited information, and based on ACMG/AMP guidelines for variant interpretation (Richards S et al., PMID: 25741868), the clinical significance of this variant is uncertain at this time.

Ambry Genetics
Classification: Likely benign for Cardiovascular phenotype. Last evaluated: 2025-01-02. Review status: criteria provided, single submitter. Criteria: Ambry Variant Classification Scheme 2023. Collection method: clinical testing. Allele origin: germline.

Fulgent Genetics
Classification: Uncertain significance for Alstrom syndrome. Last evaluated: 2022-04-01. Review status: criteria provided, single submitter. Criteria: ACMG Guidelines, 2015. Collection method: clinical testing. Allele origin: unknown.

Counsyl
Classification: Uncertain significance for Alstrom syndrome. Last evaluated: 2017-11-10. Review status: no assertion criteria provided. Collection method: clinical testing. Allele origin: unknown. Not counted in ClinVar's aggregate classification.

NM_001378454.1(ALMS1):c.11441A>C (p.Asn3814Thr)

Gene: ALMS1 (ALMS1 centrosome and basal body associated protein; plus strand). Cytogenetic location: 2p13.1.
Variant type: single nucleotide variant.
Coding change: c.11441A>C on transcript NM_001378454.1 (MANE Select); coding-DNA position 11441, A replaced by C.
Protein change: p.Asn3814Thr; replaces asparagine 3814 with threonine.
Molecular consequence: missense variant.
Genome position (GRCh38, 1-based): chr2:73,573,318, A>C. VCF-style: chr2-73573318-A-C. GRCh37 (hg19) VCF-style: chr2-73800445-A-C.
Other names: c.11444A>C, p.Asn3815Thr (NM_015120.4); short protein forms N3815T, N3814T.
Identifiers: ClinVar variation 554986 (VCV000554986.8), dbSNP rs763907736, ClinGen allele CA347289961.
Genomic context (GRCh38, chr2:73,573,318, plus strand): 5'-TTGGCCATGAAAGAGTATGCTTGTCACCCAGACGAATTAAATTATATAGCAGCATCACCA[A>C]CCAACAGAGGAGATACCTTGAGAAGCGGAGCAAACACAGCAAGAAAGTGCTGAATACAGG-3'
Protein context (NP_001365383.1, residues 3804-3824): RRIKLYSSIT[Asn3814Thr]QQRRYLEKRS